The following is an entry in ClinVar:

NM_014875.3(KIF14):c.151G>A (p.Asp51Asn)

Gene: KIF14 (kinesin family member 14; minus strand). Cytogenetic location: 1q32.1.
Variant type: single nucleotide variant.
Coding change: c.151G>A on transcript NM_014875.3 (MANE Select); coding-DNA position 151, G replaced by A.
Protein change: p.Asp51Asn; replaces aspartic acid 51 with asparagine.
Molecular consequence: missense variant. On other transcripts: 5 prime UTR variant (1).
Genome position (GRCh38, 1-based): chr1:200,618,573, C>T on the plus strand (G>A on the coding strand, the complement: KIF14 is on the minus strand). VCF-style: chr1-200618573-C-T. GRCh37 (hg19) VCF-style: chr1-200587701-C-T.
Other names: c.-1235G>A (NM_001305792.1); short protein forms D51N.
Identifiers: ClinVar variation 730431 (VCV000730431.31), dbSNP rs141578394, ClinGen allele CA1318077.
Genomic context (GRCh38, chr1:200,618,573, plus strand): 5'-CAGAAATAACATAAGTTCTATTTATGTCTCTGACTTTACCTGCAGATCTCAATAATGGAT[C>T]ATCATTTTCACATTCTGACATATCCGACTTCAAATGCAGCTTAAGTCGGCTACTGTGGGT-3'
Protein context (NP_055690.1, residues 41-61): KSDMSECEND[Asp51Asn]PLLRSAGKVR

ClinVar aggregate classification (germline): Benign/Likely benign. Review status: criteria provided, multiple submitters, no conflicts (2 of 4 stars). 4 submissions from 4 submitters: Benign (1); Likely benign (2). 1 of the submissions does not count toward it. Last evaluated 2026-01-20.

Conditions:
KIF14-related disorder. Also called: KIF14-related condition.
Inborn genetic diseases. Identifiers: MedGen C0950123, MeSH D030342.

Allele frequency attached by ClinVar (database versions not stated): TOPMed 0.00045; ESP Exome Variant Server 0.00046; ExAC 0.00051.
gnomAD v4.1: 738 of 1,613,974 alleles (0.046%); highest among the groups gnomAD compares: Non-Finnish European, 0.03%; 3 homozygotes.

Submissions (4):

Labcorp Genetics (formerly Invitae), Labcorp
Classification: Benign. Last evaluated: 2026-01-20. Review status: criteria provided, single submitter. Criteria: Invitae Variant Classification Sherloc (09022015). Collection method: clinical testing. Allele origin: germline.

CeGaT Center for Human Genetics Tuebingen
Classification: Likely benign. Last evaluated: 2023-04-01. Review status: criteria provided, single submitter. Criteria: CeGaT Center For Human Genetics Tuebingen Variant Classification Criteria Version 2. Collection method: clinical testing. Allele origin: germline. Affected: yes. Observed: 1 variant allele.
Comment: KIF14: BP4

Ambry Genetics
Classification: Likely benign for Inborn genetic diseases. Last evaluated: 2022-06-09. Review status: criteria provided, single submitter. Criteria: Ambry Variant Classification Scheme 2023. Collection method: clinical testing. Allele origin: germline.

PreventionGenetics, part of Exact Sciences
Classification: Benign for KIF14-related condition. Last evaluated: 2020-01-06. Review status: no assertion criteria provided. Collection method: clinical testing. Allele origin: germline. Not counted in ClinVar's aggregate classification.
Comment: This variant is classified as benign based on ACMG/AMP sequence variant interpretation guidelines (Richards et al. 2015 PMID: 25741868, with internal and published modifications).